The following is an entry in ClinVar:

NM_004055.5(CAPN5):c.214G>A (p.Asp72Asn)

Gene: CAPN5 (calpain 5; plus strand). Cytogenetic location: 11q13.5.
Variant type: single nucleotide variant.
Coding change: c.214G>A on transcript NM_004055.5 (MANE Select); coding-DNA position 214, G replaced by A.
Protein change: p.Asp72Asn; replaces aspartic acid 72 with asparagine.
Molecular consequence: missense variant.
Genome position (GRCh38, 1-based): chr11:77,093,730, G>A. VCF-style: chr11-77093730-G-A. GRCh37 (hg19) VCF-style: chr11-76804776-G-A.
Other names: c.214G>A (NM_004055.4); short protein forms D72N.
Identifiers: ClinVar variation 1142630 (VCV001142630.12), dbSNP rs144453005, ClinGen allele CA6196202.

ClinVar aggregate classification (germline): Likely benign. Review status: criteria provided, multiple submitters, no conflicts (2 of 4 stars). 3 submissions from 3 submitters: Likely benign (2). 1 of the submissions does not count toward it. Last evaluated 2026-01-17.

Conditions:
CAPN5-related disorder. Also called: CAPN5-related condition.

Allele frequency attached by ClinVar (database versions not stated): TOPMed 0.00070; gnomAD 0.00075 and 0.00080; ESP Exome Variant Server 0.00077; gnomAD exomes 0.00084; ExAC 0.00086.
gnomAD v4.1: 1,524 of 1,611,404 alleles (0.095%); highest among the groups gnomAD compares: Non-Finnish European, 0.1%; 3 homozygotes.

Submissions (3):

Labcorp Genetics (formerly Invitae), Labcorp
Classification: Likely benign. Last evaluated: 2026-01-17. Review status: criteria provided, single submitter. Criteria: Invitae Variant Classification Sherloc (09022015). Collection method: clinical testing. Allele origin: germline.

Blueprint Genetics
Classification: Likely benign. Last evaluated: 2024-09-23. Review status: criteria provided, single submitter. Criteria: ACMG Guidelines, 2015. Collection method: clinical testing. Allele origin: germline.

PreventionGenetics, part of Exact Sciences
Classification: Likely benign for CAPN5-related condition. Last evaluated: 2019-07-09. Review status: no assertion criteria provided. Collection method: clinical testing. Allele origin: germline. Not counted in ClinVar's aggregate classification.
Comment: This variant is classified as likely benign based on ACMG/AMP sequence variant interpretation guidelines (Richards et al. 2015 PMID: 25741868, with internal and published modifications).